The following is an entry in ClinVar:

NM_006361.6(HOXB13):c.628G>A (p.Ala210Thr)

Gene: HOXB13 (homeobox B13; minus strand). Cytogenetic location: 17q21.32.
Variant type: single nucleotide variant.
Coding change: c.628G>A on transcript NM_006361.6 (MANE Select); coding-DNA position 628, G replaced by A.
Protein change: p.Ala210Thr; replaces alanine 210 with threonine.
Molecular consequence: missense variant.
Genome position (GRCh38, 1-based): chr17:48,727,017, C>T on the plus strand (G>A on the coding strand, the complement: HOXB13 is on the minus strand). VCF-style: chr17-48727017-C-T. GRCh37 (hg19) VCF-style: chr17-46804379-C-T.
Other names: short protein forms A210T.
Identifiers: ClinVar variation 826299 (VCV000826299.14), dbSNP rs1467916908, ClinGen allele CA400107009.

ClinVar aggregate classification (germline): Uncertain significance. Review status: criteria provided, multiple submitters, no conflicts (2 of 4 stars). 2 submissions from 2 submitters: Uncertain significance (2). Last evaluated 2025-09-28.

Conditions:
Hereditary cancer-predisposing syndrome. Also called: Neoplastic Syndromes, Hereditary; Tumor predisposition; Hereditary neoplastic syndrome; Hereditary Cancer Syndrome. Identifiers: Orphanet 140162, MedGen C0027672, MeSH D009386, MONDO:0015356.

Allele frequency attached by ClinVar (database versions not stated): gnomAD exomes 0.00001.
gnomAD v4.1: 19 of 1,609,214 alleles (0.0012%); highest among the groups gnomAD compares: Non-Finnish European, 0.0015%; no homozygotes.

Submissions (2):

Ambry Genetics
Classification: Uncertain significance for Hereditary cancer-predisposing syndrome. Last evaluated: 2025-09-28. Review status: criteria provided, single submitter. Criteria: Ambry Variant Classification Scheme 2023. Collection method: clinical testing. Allele origin: germline.
Comment: The p.A210T variant (also known as c.628G>A), located in coding exon 2 of the HOXB13 gene, results from a G to A substitution at nucleotide position 628. The alanine at codon 210 is replaced by threonine, an amino acid with similar properties. This amino acid position is poorly conserved in available vertebrate species. In addition, this alteration is predicted to be tolerated by in silico analysis. Since supporting evidence is limited at this time, the clinical significance of this alteration remains unclear.

Labcorp Genetics (formerly Invitae), Labcorp
Classification: Uncertain significance. Last evaluated: 2024-08-27. Review status: criteria provided, single submitter. Criteria: Invitae Variant Classification Sherloc (09022015). Collection method: clinical testing. Allele origin: germline.
Comment: This sequence change replaces alanine, which is neutral and non-polar, with threonine, which is neutral and polar, at codon 210 of the HOXB13 protein (p.Ala210Thr). This variant is not present in population databases (gnomAD no frequency). This variant has not been reported in the literature in individuals affected with HOXB13-related conditions. ClinVar contains an entry for this variant (Variation ID: 826299). Invitae Evidence Modeling of protein sequence and biophysical properties (such as structural, functional, and spatial information, amino acid conservation, physicochemical variation, residue mobility, and thermodynamic stability) indicates that this missense variant is not expected to disrupt HOXB13 protein function with a negative predictive value of 80%. In summary, the available evidence is currently insufficient to determine the role of this variant in disease. Therefore, it has been classified as a Variant of Uncertain Significance.